The following is an entry in ClinVar:

NM_000038.6(APC):c.7493C>G (p.Ser2498Cys)

Gene: APC (APC regulator of Wnt signaling pathway; plus strand). Cytogenetic location: 5q22.2.
Variant type: single nucleotide variant.
Coding change: c.7493C>G on transcript NM_000038.6 (MANE Select); coding-DNA position 7493, C replaced by G.
Protein change: p.Ser2498Cys; replaces serine 2498 with cysteine.
Molecular consequence: missense variant.
Genome position (GRCh38, 1-based): chr5:112,843,087, C>G. VCF-style: chr5-112843087-C-G. GRCh37 (hg19) VCF-style: chr5-112178784-C-G.
Other names: c.7493C>G, p.Ser2498Cys (NM_001127510.3, NM_001354895.2, NM_001407450.1); c.7439C>G, p.Ser2480Cys (NM_001127511.3); c.7547C>G, p.Ser2516Cys (NM_001354896.2, NM_001407447.1, NM_001407448.1 and 1 more transcripts); c.7523C>G, p.Ser2508Cys (NM_001354897.2); c.7418C>G, p.Ser2473Cys (NM_001354898.2); c.7409C>G, p.Ser2470Cys (NM_001354899.2); c.7370C>G, p.Ser2457Cys (NM_001354900.2); c.7316C>G, p.Ser2439Cys (NM_001354901.2, NM_001407453.1); and 11 more; short protein forms S2215C, S2338C, S2369C, S2397C, S2508C, S2516C, S2526C, S2372C.
Identifiers: ClinVar variation 1759167 (VCV001759167.7), dbSNP rs1561615959, ClinGen allele CA16037629.

ClinVar aggregate classification (germline): Uncertain significance. Review status: criteria provided, multiple submitters, no conflicts (2 of 4 stars). 4 submissions from 4 submitters: Uncertain significance (4). Last evaluated 2025-08-18.

Conditions:
Hereditary cancer-predisposing syndrome. Also called: Neoplastic Syndromes, Hereditary; Tumor predisposition; Hereditary Cancer Syndrome; Hereditary neoplastic syndrome. Identifiers: Orphanet 140162, MedGen C0027672, MeSH D009386, MONDO:0015356.
Familial adenomatous polyposis 1 (FAP1). Also called: FAMILIAL ADENOMATOUS POLYPOSIS 1, ATTENUATED; POLYPOSIS, ADENOMATOUS INTESTINAL. Identifiers: MedGen C2713442, MONDO:0021056, OMIM 175100. Disease mechanism: loss of function.

gnomAD v4.1: 6 of 1,614,088 alleles (0.00037%); highest among the groups gnomAD compares: South Asian, 0.0033%; no homozygotes.

Submissions (4):

Labcorp Genetics (formerly Invitae), Labcorp
Classification: Uncertain significance for Familial adenomatous polyposis 1. Last evaluated: 2025-08-18. Review status: criteria provided, single submitter. Criteria: Invitae Variant Classification Sherloc (09022015). Collection method: clinical testing. Allele origin: germline.
Comment: This sequence change replaces serine, which is neutral and polar, with cysteine, which is neutral and slightly polar, at codon 2498 of the APC protein (p.Ser2498Cys). This variant is not present in population databases (gnomAD no frequency). This variant has not been reported in the literature in individuals affected with APC-related conditions. ClinVar contains an entry for this variant (Variation ID: 1759167). Invitae Evidence Modeling of protein sequence and biophysical properties (such as structural, functional, and spatial information, amino acid conservation, physicochemical variation, residue mobility, and thermodynamic stability) indicates that this missense variant is not expected to disrupt APC protein function with a negative predictive value of 95%. In summary, the available evidence is currently insufficient to determine the role of this variant in disease. Therefore, it has been classified as a Variant of Uncertain Significance.

Color Diagnostics, LLC DBA Color Health
Classification: Uncertain significance for Hereditary cancer-predisposing syndrome. Last evaluated: 2025-06-30. Review status: criteria provided, single submitter. Criteria: ACMG Guidelines, 2015. Collection method: clinical testing. Allele origin: germline.
Comment: This missense variant replaces serine with cysteine at codon 2498 of the APC protein. Computational prediction suggests that this variant may not impact protein structure and function. To our knowledge, functional studies have not been reported for this variant. This variant has not been reported in individuals affected with APC-related disorders in the literature. This variant has been identified in 1/251276 chromosomes in the general population by the Genome Aggregation Database (gnomAD). The available evidence is insufficient to determine the role of this variant in disease conclusively. Therefore, this variant is classified as a Variant of Uncertain Significance.

Institute for Genomic Medicine (IGM) Clinical Laboratory, Nationwide Children's Hospital
Classification: Uncertain significance for Familial adenomatous polyposis 1. Last evaluated: 2023-10-18. Review status: criteria provided, single submitter. Criteria: ACMG Guidelines, 2015. Collection method: clinical testing. Allele origin: germline.
Comment: This variant is absent from or present at an exceedingly low frequency in gnomAD, a large-scale control population database (ACMG/AMP: PM2). This variant results in a missense alteration in a gene for which primarily truncating variants are known to cause disease (ACMG/AMP: BP1).

Ambry Genetics
Classification: Uncertain significance for Hereditary cancer-predisposing syndrome. Last evaluated: 2023-09-21. Review status: criteria provided, single submitter. Criteria: Ambry Variant Classification Scheme 2023. Collection method: clinical testing. Allele origin: germline.
Comment: The p.S2498C variant (also known as c.7493C>G), located in coding exon 15 of the APC gene, results from a C to G substitution at nucleotide position 7493. The serine at codon 2498 is replaced by cysteine, an amino acid with dissimilar properties. This amino acid position is well conserved in available vertebrate species. In addition, in silico predictors for this gene do not accurately predict pathogenicity. Since supporting evidence is limited at this time, the clinical significance of this alteration remains unclear.